The following is an entry in ClinVar:

ClinVar aggregate classification (germline): Benign/Likely benign. Review status: criteria provided, multiple submitters, no conflicts (2 of 4 stars). 3 submissions from 3 submitters: Benign (1); Likely benign (2). Last evaluated 2025-07-20.

Conditions:
Congenital myasthenic syndrome 8. Also called: Myasthenic syndrome, congenital, 8, with pre- and postsynaptic defects; MYASTHENIC SYNDROME, CONGENITAL, DUE TO AGRIN DEFICIENCY. Identifiers: Orphanet 590, MedGen C3808739, MONDO:0014052, OMIM 615120.

Allele frequency attached by ClinVar (database versions not stated): 1000 Genomes Project 0.00779; gnomAD 0.00005; gnomAD exomes 0.00005; ESP Exome Variant Server 0.00344.

Submissions (4):

Labcorp Genetics (formerly Invitae), Labcorp
Classification: Likely benign for Congenital myasthenic syndrome 8. Last evaluated: 2025-07-20. Review status: criteria provided, single submitter. Criteria: Invitae Variant Classification Sherloc (09022015). Collection method: clinical testing. Allele origin: germline.

GeneDx
Classification: Likely benign. Last evaluated: 2018-03-06. Review status: criteria provided, single submitter. Criteria: GeneDx Variant Classification (06012015). Collection method: clinical testing. Allele origin: germline. Affected: yes.
Comment: This variant is considered likely benign or benign based on one or more of the following criteria: it is a conservative change, it occurs at a poorly conserved position in the protein, it is predicted to be benign by multiple in silico algorithms, and/or has population frequency not consistent with disease.

PreventionGenetics, part of Exact Sciences
Classification: Benign. Review status: criteria provided, single submitter. Criteria: ACMG Guidelines, 2015. Collection method: clinical testing. Allele origin: germline.

Dr. Peter K. Rogan Lab, Western University
No classification provided (evidence only). Condition: Uterine corpus endometrial carcinoma. Review status: no classification provided. Collection method: in vitro. Allele origin: not applicable. Functional consequence: retained intron. Not counted in ClinVar's aggregate classification.

NM_198576.4(AGRN):c.4298+11A>T

Gene: AGRN (agrin; plus strand). Cytogenetic location: 1p36.33.
Variant type: single nucleotide variant.
Coding change: c.4298+11A>T on transcript NM_198576.4 (MANE Select); 11 bases into the intron after coding-DNA position 4298, A replaced by T.
Molecular consequence: intron variant.
Genome position (GRCh38, 1-based): chr1:1,049,070, A>T. VCF-style: chr1-1049070-A-T. GRCh37 (hg19) VCF-style: chr1-984450-A-T.
Other names: c.4298+11A>T (NM_001305275.2); c.3983+11A>T (NM_001364727.2).
Identifiers: ClinVar variation 263184 (VCV000263184.6), dbSNP rs369279324, ClinGen allele CA10586706.